The following is an entry in ClinVar:

NM_001286611.2(REPS1):c.806G>A (p.Arg269His)

Gene: REPS1 (RALBP1 associated Eps domain containing 1; minus strand). Cytogenetic location: 6q24.1.
Variant type: single nucleotide variant.
Coding change: c.806G>A on transcript NM_001286611.2 (MANE Select); coding-DNA position 806, G replaced by A.
Protein change: p.Arg269His; replaces arginine 269 with histidine.
Molecular consequence: missense variant.
Genome position (GRCh38, 1-based): chr6:138,943,963, C>T on the plus strand (G>A on the coding strand, the complement: REPS1 is on the minus strand). VCF-style: chr6-138943963-C-T. GRCh37 (hg19) VCF-style: chr6-139265100-C-T.
Other names: c.806G>A (NM_031922.3); c.806G>A, p.Arg269His (NM_001128617.3, NM_001286612.2, NM_031922.5); short protein forms R269H.
Identifiers: ClinVar variation 1436447 (VCV001436447.9), dbSNP rs746519188, ClinGen allele CA4024352.

ClinVar aggregate classification (germline): Uncertain significance. Review status: criteria provided, multiple submitters, no conflicts (2 of 4 stars). 2 submissions from 2 submitters: Uncertain significance (2). Last evaluated 2025-07-09.

Allele frequency attached by ClinVar (database versions not stated): ExAC 0.00002; gnomAD exomes 0.00003; TOPMed 0.00005; gnomAD 0.00006.
gnomAD v4.1: 81 of 1,613,660 alleles (0.005%); highest among the groups gnomAD compares: Non-Finnish European, 0.0064%; no homozygotes.

Submissions (2):

Labcorp Genetics (formerly Invitae), Labcorp
Classification: Uncertain significance. Last evaluated: 2025-07-09. Review status: criteria provided, single submitter. Criteria: Invitae Variant Classification Sherloc (09022015). Collection method: clinical testing. Allele origin: germline.
Comment: This sequence change replaces arginine, which is basic and polar, with histidine, which is basic and polar, at codon 269 of the REPS1 protein (p.Arg269His). This variant is present in population databases (rs746519188, gnomAD 0.005%). This variant has not been reported in the literature in individuals affected with REPS1-related conditions. ClinVar contains an entry for this variant (Variation ID: 1436447). Invitae Evidence Modeling of protein sequence and biophysical properties (such as structural, functional, and spatial information, amino acid conservation, physicochemical variation, residue mobility, and thermodynamic stability) indicates that this missense variant is not expected to disrupt REPS1 protein function with a negative predictive value of 80%. In summary, the available evidence is currently insufficient to determine the role of this variant in disease. Therefore, it has been classified as a Variant of Uncertain Significance.

Ambry Genetics
Classification: Uncertain significance. Last evaluated: 2022-01-10. Review status: criteria provided, single submitter. Criteria: Ambry Variant Classification Scheme 2023. Collection method: clinical testing. Allele origin: germline.